The following is an entry in ClinVar:

NM_020778.5(ALPK3):c.1441_1444del (p.Lys481fs)

Gene: ALPK3 (alpha kinase 3; plus strand). Cytogenetic location: 15q25.3.
Variant type: Deletion.
Coding change: c.1441_1444del on transcript NM_020778.5 (MANE Select); coding-DNA positions 1441 to 1444, 4 bases deleted (AAGA; older notation c.1441_1444delAAGA).
Protein change: p.Lys481fs; shifts the reading frame from lysine 481.
Molecular consequence: frameshift variant.
Genome position (GRCh38, 1-based): chr15:84,840,720-84,840,723, AAGA deleted; deleting any 4 consecutive bases within chr15:84,840,717-84,840,723 gives the same sequence; the c. name uses the placement nearest the transcript's 3' end. VCF-style (leftmost placement, unchanged base first): chr15-84840716-CAGAA-C. GRCh37 (hg19) VCF-style: chr15-85383947-CAGAA-C.
Other names: short protein forms K481fs.
Identifiers: ClinVar variation 5005470 (VCV005005470.2).

ClinVar aggregate classification (germline): Likely pathogenic (1 of 4 stars; one submission).

Conditions:
Cardiomyopathy, familial hypertrophic 27. Identifiers: MedGen C4748014, MONDO:0054838, OMIM 618052.

Submission:

Juno Genomics, Hangzhou Juno Genomics, Inc
Classification: Likely pathogenic for Cardiomyopathy, familial hypertrophic 27. Review status: criteria provided, single submitter. Criteria: ACMG Guidelines, 2015. Collection method: clinical testing. Allele origin: germline.
Comment: Null variant in a gene where loss of function (LOF) is a known mechanism of disease.;Absent from controls (or at extremely low frequency if recessive) in Genome Aggregation Database.